The following is an entry in ClinVar:

ClinVar aggregate classification (germline): Uncertain significance (1 of 4 stars; one submission).

Allele frequency attached by ClinVar (database versions not stated): TOPMed 0.00003; gnomAD 0.00001; gnomAD exomes below 0.00001.
gnomAD v4.1: 6 of 1,613,728 alleles (0.00037%); highest among the groups gnomAD compares: Admixed American, 0.0017%; no homozygotes.

Submission:

Labcorp Genetics (formerly Invitae), Labcorp
Classification: Uncertain significance. Last evaluated: 2021-08-30. Review status: criteria provided, single submitter. Criteria: Invitae Variant Classification Sherloc (09022015). Collection method: clinical testing. Allele origin: germline.
Comment: This sequence change replaces arginine with tryptophan at codon 1457 of the SPEG protein (p.Arg1457Trp). The arginine residue is highly conserved and there is a moderate physicochemical difference between arginine and tryptophan. This variant is not present in population databases (ExAC no frequency). This variant has not been reported in the literature in individuals affected with SPEG-related conditions. Algorithms developed to predict the effect of missense changes on protein structure and function are either unavailable or do not agree on the potential impact of this missense change (SIFT: "Deleterious"; PolyPhen-2: "Probably Damaging"; Align-GVGD: "Class C15"). In summary, the available evidence is currently insufficient to determine the role of this variant in disease. Therefore, it has been classified as a Variant of Uncertain Significance.

NM_005876.5(SPEG):c.4369C>T (p.Arg1457Trp)

Gene: SPEG (striated muscle enriched protein kinase; plus strand). Cytogenetic location: 2q35.
Variant type: single nucleotide variant.
Coding change: c.4369C>T on transcript NM_005876.5 (MANE Select); coding-DNA position 4369, C replaced by T.
Protein change: p.Arg1457Trp; replaces arginine 1457 with tryptophan.
Molecular consequence: missense variant.
Genome position (GRCh38, 1-based): chr2:219,473,825, C>T. VCF-style: chr2-219473825-C-T. GRCh37 (hg19) VCF-style: chr2-220338547-C-T.
Other names: short protein forms R1457W.
Identifiers: ClinVar variation 1347177 (VCV001347177.5), dbSNP rs1040240201, ClinGen allele CA65979687.
Genomic context (GRCh38, chr2:219,473,825, plus strand): 5'-TACGAGCTGAGCCAGCCAGATGATGACCAGTACTGTCTTCGGATCTGCCGGGTGAGCCGC[C>T]GGGACATGGGGGCCCTCACCTGCACCGCCCGAAACCGTCACGGCACACAGACCTGCTCGG-3'
Protein context (NP_005867.3, residues 1447-1467): YCLRICRVSR[Arg1457Trp]DMGALTCTAR